The following is an entry in ClinVar:

NM_001042492.3(NF1):c.6534C>T (p.Phe2178=)

Gene: NF1 (neurofibromin 1; plus strand). Cytogenetic location: 17q11.2.
Variant type: single nucleotide variant.
Coding change: c.6534C>T on transcript NM_001042492.3 (MANE Select); coding-DNA position 6534, C replaced by T.
Protein change: p.Phe2178=; no amino-acid change (phenylalanine 2178 retained).
Molecular consequence: synonymous variant.
Genome position (GRCh38, 1-based): chr17:31,337,474, C>T. VCF-style: chr17-31337474-C-T. GRCh37 (hg19) VCF-style: chr17-29664492-C-T.
Other names: c.6471C>T, p.Phe2157= (NM_000267.4).
Identifiers: ClinVar variation 1896808 (VCV001896808.6), dbSNP rs2151556290, ClinGen allele CA499234079.

ClinVar aggregate classification (germline): Conflicting classifications of pathogenicity. Review status: criteria provided, conflicting classifications (1 of 4 stars). 2 submissions from 2 submitters: Uncertain significance (1); Likely benign (1). Last evaluated 2025-04-18.

Conditions:
Hereditary cancer-predisposing syndrome. Also called: Tumor predisposition; Neoplastic Syndromes, Hereditary; Hereditary neoplastic syndrome; Hereditary Cancer Syndrome. Identifiers: Orphanet 140162, MedGen C0027672, MeSH D009386, MONDO:0015356.
Cardiovascular phenotype. Identifiers: MedGen CN230736.
Neurofibromatosis, type 1 (NF1). Also called: Peripheral type neurofibromatosis; Neurofibromatosis, type I; VON RECKLINGHAUSEN DISEASE; NEUROFIBROMATOSIS, TYPE I, SOMATIC. Identifiers: Orphanet 636, MedGen C0027831, MONDO:0018975, OMIM 162200. Disease mechanism: loss of function.

Allele frequency attached by ClinVar (database versions not stated): gnomAD exomes below 0.00001.
gnomAD v4.1: 3 of 1,614,162 alleles (0.00019%); highest among the groups gnomAD compares: Non-Finnish European, 0.00025%; no homozygotes.

Submissions (2):

Ambry Genetics
Classification: Likely benign for Cardiovascular phenotype; Hereditary cancer-predisposing syndrome. Last evaluated: 2025-04-18. Review status: criteria provided, single submitter. Criteria: Ambry Variant Classification Scheme 2023. Collection method: clinical testing. Allele origin: germline.

Labcorp Genetics (formerly Invitae), Labcorp
Classification: Uncertain significance for Neurofibromatosis, type 1. Last evaluated: 2022-07-15. Review status: criteria provided, single submitter. Criteria: Invitae Variant Classification Sherloc (09022015). Collection method: clinical testing. Allele origin: germline.
Comment: Algorithms developed to predict the effect of sequence changes on RNA splicing suggest that this variant may create or strengthen a splice site. In summary, the available evidence is currently insufficient to determine the role of this variant in disease. Therefore, it has been classified as a Variant of Uncertain Significance. This variant has not been reported in the literature in individuals affected with NF1-related conditions. This variant is not present in population databases (gnomAD no frequency). This sequence change affects codon 2157 of the NF1 mRNA. It is a 'silent' change, meaning that it does not change the encoded amino acid sequence of the NF1 protein.